The following is an entry in ClinVar:

ClinVar aggregate classification (germline): Uncertain significance (1 of 4 stars; one submission).

gnomAD v4.1: 1 of 1,614,226 alleles (0.000062%); highest among the groups gnomAD compares: Non-Finnish European, 0.000085%; no homozygotes.

Submission:

Institute for Clinical Genetics, University Hospital TU Dresden, University Hospital TU Dresden
Classification: Uncertain significance. Last evaluated: 2023-03-22. Review status: criteria provided, single submitter. Criteria: ACMG Guidelines, 2015. Collection method: clinical testing. Allele origin: maternal.
Comment: PM2_SUP

NM_004973.4(JARID2):c.745G>C (p.Ala249Pro)

Gene: JARID2 (jumonji and AT-rich interaction domain containing 2; plus strand). Cytogenetic location: 6p22.3.
Variant type: single nucleotide variant.
Coding change: c.745G>C on transcript NM_004973.4 (MANE Select); coding-DNA position 745, G replaced by C.
Protein change: p.Ala249Pro; replaces alanine 249 with proline.
Molecular consequence: missense variant.
Genome position (GRCh38, 1-based): chr6:15,487,381, G>C. VCF-style: chr6-15487381-G-C. GRCh37 (hg19) VCF-style: chr6-15487612-G-C.
Other names: c.229G>C, p.Ala77Pro (NM_001267040.1); short protein forms A249P, A77P.
Identifiers: ClinVar variation 2576101 (VCV002576101.1), dbSNP rs1211851406, ClinGen allele CA362793157.